The following is an entry in ClinVar:

NC_000011.10:g.47335037C>T

Gene: MYBPC3 (myosin binding protein C3; minus strand). Cytogenetic location: 11p11.2.
Variant type: single nucleotide variant.
Genome position: GRCh38 VCF-style: chr11-47335037-C-T. GRCh37 (hg19) VCF-style: chr11-47356588-C-T.
Other names: c.2905+5G>A (NM_000256.3, LRG_386t1).
Identifiers: ClinVar variation 36608 (VCV000036608.10), dbSNP rs193922381, ClinGen allele CA013143.
Genomic context (GRCh38, chr11:47,335,037, plus strand): 5'-CCACTGGACACCAAGGGCCTGGGGTGTCAATGGCGGGTCTTGTGACTGCACAAAGGGGCA[C>T]TCACGCAGGATCTCCTGCACTGTCACCGGCTCCGTGGTGGTAACAGGGGCTCCAGGCCCT-3'

ClinVar aggregate classification (germline): Uncertain significance. Review status: criteria provided, multiple submitters, no conflicts (2 of 4 stars). 2 submissions from 2 submitters: Uncertain significance (2). Last evaluated 2024-04-05.

Conditions:
Primary familial hypertrophic cardiomyopathy (HCM). Identifiers: Orphanet 99739, MedGen C0949658, MeSH D024741, MONDO:0024573. Inheritance: Various modes of inheritance.
Hypertrophic cardiomyopathy. Also called: HYPERTROPHIC MYOCARDIOPATHY. Identifiers: Orphanet 217569, MedGen C0007194, MeSH D002312, MONDO:0005045, HP:0001639.

Submissions (2):

Labcorp Genetics (formerly Invitae), Labcorp
Classification: Uncertain significance for Hypertrophic cardiomyopathy. Last evaluated: 2024-04-05. Review status: criteria provided, single submitter. Criteria: Invitae Variant Classification Sherloc (09022015). Collection method: clinical testing. Allele origin: germline.
Comment: This sequence change falls in intron 27 of the MYBPC3 gene. It does not directly change the encoded amino acid sequence of the MYBPC3 protein. It affects a nucleotide within the consensus splice site. This variant is not present in population databases (gnomAD no frequency). This variant has not been reported in the literature in individuals affected with MYBPC3-related conditions. ClinVar contains an entry for this variant (Variation ID: 36608). Variants that disrupt the consensus splice site are a relatively common cause of aberrant splicing (PMID: 17576681, 9536098). Algorithms developed to predict the effect of sequence changes on RNA splicing suggest that this variant may disrupt the consensus splice site. In summary, the available evidence is currently insufficient to determine the role of this variant in disease. Therefore, it has been classified as a Variant of Uncertain Significance.

Women's Health and Genetics/Laboratory Corporation of America, LabCorp
Classification: Uncertain significance for Hypertrophic Cardiomyopathy. Last evaluated: 2011-08-18. Review status: criteria provided, single submitter. Criteria: LabCorp Variant Classification Summary - May 2015. Collection method: curation, clinical testing. Allele origin: germline. Inheritance: autosomal unknown. Affected: yes.
ClinVar note: Converted during submission from uncertain to Uncertain significance.

Literature cited by the submitters: PubMed 17576681 (cited by Labcorp Genetics (formerly Invitae), Labcorp); PubMed 9536098 (cited by Labcorp Genetics (formerly Invitae), Labcorp).